The following is an entry in ClinVar:

ClinVar aggregate classification (germline): Uncertain significance (1 of 4 stars; one submission).

Conditions:
Arrhythmogenic right ventricular dysplasia 5. Also called: Arrhythmogenic Right Ventricular Dysplasia/Cardiomyopathy 5; ARRHYTHMOGENIC RIGHT VENTRICULAR DYSPLASIA, FAMILIAL, 5. Identifiers: MedGen C1858379, MONDO:0011459, OMIM 604400.

gnomAD v4.1: 2 of 1,614,134 alleles (0.00012%); highest among the groups gnomAD compares: East Asian, 0.0022%; no homozygotes.

Submission:

Labcorp Genetics (formerly Invitae), Labcorp
Classification: Uncertain significance for Arrhythmogenic right ventricular dysplasia 5. Last evaluated: 2025-07-24. Review status: criteria provided, single submitter. Criteria: Invitae Variant Classification Sherloc (09022015). Collection method: clinical testing. Allele origin: germline.
Comment: This sequence change replaces lysine, which is basic and polar, with arginine, which is basic and polar, at codon 199 of the TMEM43 protein (p.Lys199Arg). This variant is not present in population databases (gnomAD no frequency). This variant has not been reported in the literature in individuals affected with TMEM43-related conditions. Invitae Evidence Modeling of protein sequence and biophysical properties (such as structural, functional, and spatial information, amino acid conservation, physicochemical variation, residue mobility, and thermodynamic stability) indicates that this missense variant is not expected to disrupt TMEM43 protein function with a negative predictive value of 80%. In summary, the available evidence is currently insufficient to determine the role of this variant in disease. Therefore, it has been classified as a Variant of Uncertain Significance.

NM_024334.3(TMEM43):c.596A>G (p.Lys199Arg)

Gene: TMEM43 (transmembrane protein 43; plus strand). Cytogenetic location: 3p25.1.
Variant type: single nucleotide variant.
Coding change: c.596A>G on transcript NM_024334.3 (MANE Select); coding-DNA position 596, A replaced by G.
Protein change: p.Lys199Arg; replaces lysine 199 with arginine.
Molecular consequence: missense variant.
Genome position (GRCh38, 1-based): chr3:14,134,782, A>G. VCF-style: chr3-14134782-A-G. GRCh37 (hg19) VCF-style: chr3-14176282-A-G.
Other names: c.599A>G, p.Lys200Arg (NM_001407274.1); c.596A>G, p.Lys199Arg (NM_001407275.1, NM_001407276.1, NM_001407277.1 and 1 more transcripts); c.581A>G, p.Lys194Arg (NM_001407278.1); c.446A>G, p.Lys149Arg (NM_001407280.1); short protein forms K199R, K194R, K149R, K200R.
Identifiers: ClinVar variation 4710317 (VCV004710317.1).